The following is an entry in ClinVar:

NM_001370259.2(MEN1):c.1180del (p.Ser394fs)

Gene: MEN1 (menin 1; minus strand). Cytogenetic location: 11q13.1.
Variant type: Deletion.
Coding change: c.1180del on transcript NM_001370259.2 (MANE Select); coding-DNA position 1180, one base deleted (A; older notation c.1180delA).
Protein change: p.Ser394fs; shifts the reading frame from serine 394.
Molecular consequence: frameshift variant.
Genome position (GRCh38, 1-based): chr11:64,805,640, T deleted on the plus strand (A on the coding strand, the reverse complement: MEN1 is on the minus strand); the first of 3 consecutive T bases (chr11:64,805,640-64,805,642); deleting any one gives the same sequence. VCF-style (leftmost placement, unchanged base first): chr11-64805639-CT-C. GRCh37 (hg19) VCF-style: chr11-64573111-CT-C.
Other names: c.1195del, p.Ser399fs (NM_000244.4, NM_130800.3, NM_130801.3 and 3 more transcripts); c.1306del, p.Ser436fs (NM_001370251.2); c.1180del, p.Ser394fs (NM_001370260.2, NM_001370261.2, NM_130799.3); c.1075del, p.Ser359fs (NM_001370262.2, NM_001370263.2); c.1304delA, p.Ser436Alafs (NM_001407142.1, NM_001407143.1, NM_001407144.1); c.1193delA, p.Ser399Alafs (NM_001407145.1); c.1178delA, p.Ser394Alafs (NM_001407146.1, NM_001407147.1, NM_001407152.1); c.1073delA, p.Ser359Alafs (NM_001407148.1, NM_001407149.1); and 3 more; short protein forms S436fs, S359fs, S394fs, S399fs.
Identifiers: ClinVar variation 1742152 (VCV001742152.2), dbSNP rs2497155994, ClinGen allele CA2580084461.
Genomic context (GRCh38, chr11:64,805,639, plus strand): 5'-AAGGGAGCCCTGTCCAGGTGGGAGGCTGGACACAGGCTGGAGCTCCAGCCTTTCACCTGG[CT>C]TTGCTCCCCCGGCCGCTCCTCGCCCGCCTCCAGCAAGCTGGCTGCCTCCTTCAGCAGGTT-3'

ClinVar aggregate classification (germline): Pathogenic (1 of 4 stars; one submission).

Conditions:
Hereditary cancer-predisposing syndrome. Also called: Hereditary Cancer Syndrome; Hereditary neoplastic syndrome; Neoplastic Syndromes, Hereditary; Tumor predisposition. Identifiers: Orphanet 140162, MedGen C0027672, MeSH D009386, MONDO:0015356.

Submission:

Ambry Genetics
Classification: Pathogenic for Hereditary cancer-predisposing syndrome. Last evaluated: 2021-03-01. Review status: criteria provided, single submitter. Criteria: Ambry Variant Classification Scheme 2023. Collection method: clinical testing. Allele origin: germline.
Comment: The c.1180delA pathogenic mutation, located in coding exon 7 of the MEN1 gene, results from a deletion of one nucleotide at nucleotide position 1180, causing a translational frameshift with a predicted alternate stop codon (p.S394Afs*51). This alteration occurs at the 3' terminus of MEN1 gene, is not expected to trigger nonsense-mediated mRNA decay, and impacts the last 217 amino acids of the protein. However, premature stop codons are typically deleterious in nature and the impacted region is critical for protein function (Ambry internal data). Based on the supporting evidence, this alteration is interpreted as a disease-causing mutation.